The following is an entry in ClinVar:

ClinVar aggregate classification (germline): Uncertain significance (1 of 4 stars; one submission).

gnomAD v4.1: 3 of 1,610,286 alleles (0.00019%); highest among the groups gnomAD compares: South Asian, 0.0011%; no homozygotes.

Submission:

GeneDx
Classification: Uncertain significance. Last evaluated: 2025-05-12. Review status: criteria provided, single submitter. Criteria: GeneDx Variant Classification Process June 2021. Collection method: clinical testing. Allele origin: germline. Affected: yes.
Comment: Not observed at significant frequency in large population cohorts (gnomAD); In silico analysis supports that this missense variant has a deleterious effect on protein structure/function; In silico analysis suggests this variant may impact gene splicing. In the absence of RNA/functional studies, the actual effect of this sequence change is unknown.; Has not been previously published as pathogenic or benign to our knowledge

NM_020654.5(SENP7):c.2905C>T (p.Arg969Cys)

Gene: SENP7 (SUMO specific peptidase 7; minus strand). Cytogenetic location: 3q12.3.
Variant type: single nucleotide variant.
Coding change: c.2905C>T on transcript NM_020654.5 (MANE Select); coding-DNA position 2905, C replaced by T.
Protein change: p.Arg969Cys; replaces arginine 969 with cysteine.
Molecular consequence: missense variant.
Genome position (GRCh38, 1-based): chr3:101,327,776, G>A on the plus strand (C>T on the coding strand, the complement: SENP7 is on the minus strand). VCF-style: chr3-101327776-G-A. GRCh37 (hg19) VCF-style: chr3-101046620-G-A.
Other names: c.2710C>T, p.Arg904Cys (NM_001077203.3); c.2707C>T, p.Arg903Cys (NM_001282801.2); c.2806C>T, p.Arg936Cys (NM_001282802.2); c.2413C>T, p.Arg805Cys (NM_001282803.2); short protein forms R805C, R903C, R904C, R936C, R969C.
Identifiers: ClinVar variation 4529527 (VCV004529527.1).